The following is an entry in ClinVar:

NM_012434.5(SLC17A5):c.275T>C (p.Val92Ala)

Gene: SLC17A5 (solute carrier family 17 member 5; minus strand). Cytogenetic location: 6q13.
Variant type: single nucleotide variant.
Coding change: c.275T>C on transcript NM_012434.5 (MANE Select); coding-DNA position 275, T replaced by C.
Protein change: p.Val92Ala; replaces valine 92 with alanine.
Molecular consequence: missense variant. On other transcripts: intron variant (2).
Genome position (GRCh38, 1-based): chr6:73,644,423, A>G on the plus strand (T>C on the coding strand, the complement: SLC17A5 is on the minus strand). VCF-style: chr6-73644423-A-G. GRCh37 (hg19) VCF-style: chr6-74354146-A-G.
Other names: c.275T>C, p.Val92Ala (NM_001382630.1, NM_001382632.1, NM_001382633.1 and 2 more transcripts); c.296T>C, p.Val99Ala (NM_001382631.1); c.61-2499T>C (NM_001382636.1, NM_001382629.1); short protein forms V92A, V99A.
Identifiers: ClinVar variation 1482990 (VCV001482990.6), dbSNP rs2150120727, ClinGen allele CA364718617.
Genomic context (GRCh38, chr6:73,644,423, plus strand): 5'-ATTTTAGGATAATTAAAATTGTTTCCTTAAAAAATAGCACCTACCGTTTGATTATGATGA[A>G]CTTTTATGGGAGCAGAATGCTCTGGACACGCCTTGGAAGTTCTATTATCTTCTAAAGTTG-3'
Protein context (NP_036566.1, residues 82-102): ACPEHSAPIK[Val92Ala]HHNQTGKKYQ

ClinVar aggregate classification (germline): Uncertain significance (1 of 4 stars; one submission).

Conditions:
Salla disease (SD). Also called: Sialuria, Finnish type; N-acetylneuraminic acid (NANA) storage disease (NSD); Infantile sialic acid storage disorder (ISSD); Less Severe FSASD (Salla Disease). Identifiers: Orphanet 309334, Orphanet 834, MedGen C1096903, MONDO:0011449, OMIM 604369.

gnomAD v4.1: 1 of 1,613,600 alleles (0.000062%); highest among the groups gnomAD compares: Non-Finnish European, 0.000085%; no homozygotes.

Submission:

Labcorp Genetics (formerly Invitae), Labcorp
Classification: Uncertain significance for Salla disease. Last evaluated: 2022-07-06. Review status: criteria provided, single submitter. Criteria: Invitae Variant Classification Sherloc (09022015). Collection method: clinical testing. Allele origin: germline.
Comment: In summary, the available evidence is currently insufficient to determine the role of this variant in disease. Therefore, it has been classified as a Variant of Uncertain Significance. Algorithms developed to predict the effect of missense changes on protein structure and function (SIFT, PolyPhen-2, Align-GVGD) all suggest that this variant is likely to be tolerated. ClinVar contains an entry for this variant (Variation ID: 1482990). This variant has not been reported in the literature in individuals affected with SLC17A5-related conditions. This variant is not present in population databases (gnomAD no frequency). This sequence change replaces valine, which is neutral and non-polar, with alanine, which is neutral and non-polar, at codon 92 of the SLC17A5 protein (p.Val92Ala).